The following is an entry in ClinVar:

NM_001127208.3(TET2):c.3833C>A (p.Pro1278Gln)

Genes: TET2 (tet methylcytosine dioxygenase 2; plus strand), TET2-AS1 (TET2 antisense RNA 1; minus strand). Cytogenetic location: 4q24.
Variant type: single nucleotide variant.
Coding change: c.3833C>A on transcript NM_001127208.3 (MANE Select); coding-DNA position 3833, C replaced by A.
Protein change: p.Pro1278Gln; replaces proline 1278 with glutamine.
Molecular consequence: missense variant.
Genome position (GRCh38, 1-based): chr4:105,259,648, C>A. VCF-style: chr4-105259648-C-A. GRCh37 (hg19) VCF-style: chr4-106180805-C-A.
Other names: short protein forms P1278Q.
Identifiers: ClinVar variation 3687872 (VCV003687872.2).

ClinVar aggregate classification (germline): Uncertain significance (1 of 4 stars; one submission).

Submission:

Labcorp Genetics (formerly Invitae), Labcorp
Classification: Uncertain significance. Last evaluated: 2024-11-19. Review status: criteria provided, single submitter. Criteria: Invitae Variant Classification Sherloc (09022015). Collection method: clinical testing. Allele origin: germline.
Comment: This sequence change replaces proline, which is neutral and non-polar, with glutamine, which is neutral and polar, at codon 1278 of the TET2 protein (p.Pro1278Gln). This variant is not present in population databases (gnomAD no frequency). This variant has not been reported in the literature in individuals affected with TET2-related conditions. An algorithm developed to predict the effect of missense changes on protein structure and function (PolyPhen-2) suggests that this variant is likely to be disruptive. In summary, the available evidence is currently insufficient to determine the role of this variant in disease. Therefore, it has been classified as a Variant of Uncertain Significance.